The following is an entry in ClinVar:

ClinVar aggregate classification (germline): Pathogenic (1 of 4 stars; one submission).

Conditions:
Fanconi anemia (FA). Also called: Fanconi's anemia. Identifiers: Orphanet 84, MedGen C0015625, MeSH D005199, MONDO:0019391.

Submission:

Labcorp Genetics (formerly Invitae), Labcorp
Classification: Pathogenic for Fanconi anemia. Last evaluated: 2023-02-22. Review status: criteria provided, single submitter. Criteria: Invitae Variant Classification Sherloc (09022015). Collection method: clinical testing. Allele origin: germline.
Comment: This sequence change creates a premature translational stop signal (p.Gln107Glyfs*47) in the FANCG gene. It is expected to result in an absent or disrupted protein product. Loss-of-function variants in FANCG are known to be pathogenic (PMID: 12552564). This variant is not present in population databases (gnomAD no frequency). This variant has not been reported in the literature in individuals affected with FANCG-related conditions. For these reasons, this variant has been classified as Pathogenic.

Literature cited by the submitters: PubMed 12552564.

NM_004629.2(FANCG):c.319_320del (p.Gln107fs)

Gene: FANCG (FA complementation group G; minus strand). Cytogenetic location: 9p13.3.
Variant type: Microsatellite.
Coding change: c.319_320del on transcript NM_004629.2 (MANE Select); coding-DNA positions 319 to 320, 2 bases deleted (CA; older notation c.319_320delCA).
Protein change: p.Gln107fs; shifts the reading frame from glutamine 107.
Molecular consequence: frameshift variant.
Genome position (GRCh38, 1-based): chr9:35,078,331-35,078,332, TG deleted on the plus strand (CA on the coding strand, the reverse complement: FANCG is on the minus strand); deleting any 2 consecutive bases within chr9:35,078,331-35,078,335 gives the same sequence; the c. name uses the placement nearest the transcript's 3' end. VCF-style (leftmost placement, unchanged base first): chr9-35078330-CTG-C. GRCh37 (hg19) VCF-style: chr9-35078327-CTG-C.
Other names: short protein forms Q107fs.
Identifiers: ClinVar variation 2913152 (VCV002913152.3), dbSNP rs2490407906, ClinGen allele CA2689841945.
Genomic context (GRCh38, chr9:35,078,330, plus strand): 5'-ACGAAGGACAGAGTCCCACAGCTCCCTGAGCCCCTGTTCCAACCTGGGCCCCTGCTGCTC[CTG>C]TGTCTCCAGCACTGTAGAGTATACACACACACATAGACACACACACAGCTGAAGTAGCAC-3'